The following is an entry in ClinVar:

NM_025132.4(WDR19):c.1797T>G (p.Ala599=)

Gene: WDR19 (WD repeat domain 19; plus strand). Cytogenetic location: 4p14.
Variant type: single nucleotide variant.
Coding change: c.1797T>G on transcript NM_025132.4 (MANE Select); coding-DNA position 1797, T replaced by G.
Protein change: p.Ala599=; no amino-acid change (alanine 599 retained).
Molecular consequence: synonymous variant.
Genome position (GRCh38, 1-based): chr4:39,228,505, T>G. VCF-style: chr4-39228505-T-G. GRCh37 (hg19) VCF-style: chr4-39230125-T-G.
Other names: c.1317T>G, p.Ala439= (NM_001317924.2).
Identifiers: ClinVar variation 772721 (VCV000772721.14), dbSNP rs373430338, ClinGen allele CA2891941.

ClinVar aggregate classification (germline): Likely benign. Review status: criteria provided, multiple submitters, no conflicts (2 of 4 stars). 5 submissions from 5 submitters: Likely benign (4). 1 of the submissions does not count toward it. Last evaluated 2026-01-24.

Conditions:
WDR19-related disorder. Also called: WDR19-related disorders; WDR19-related condition. Identifiers: MedGen CN380161.
Asphyxiating thoracic dystrophy 5 (SRTD5). Also called: SHORT-RIB THORACIC DYSPLASIA 5 WITH OR WITHOUT POLYDACTYLY; SHORT-RIB THORACIC DYSPLASIA 5 WITHOUT POLYDACTYLY. Identifiers: Orphanet 474, MedGen C3280598, MONDO:0013717, OMIM 614376.
Nephronophthisis 13 (NPHP13). Identifiers: Orphanet 655, MedGen C3280612, MONDO:0013718, OMIM 614377.
Cranioectodermal dysplasia 4 (CED4). Identifiers: Orphanet 1515, MedGen C3280616, MONDO:0013719, OMIM 614378.
Senior-Loken syndrome 8 (SLSN8). Identifiers: Orphanet 3156, MedGen C4225376, MONDO:0014579, OMIM 616307.
Spermatogenic failure 72 (SPGF72). Identifiers: MedGen C5676980, MONDO:0030809, OMIM 619867.

Allele frequency attached by ClinVar (database versions not stated): ExAC 0.00009; gnomAD exomes 0.00010; gnomAD 0.00011; ESP Exome Variant Server 0.00017; TOPMed 0.00019.

Submissions (5):

Labcorp Genetics (formerly Invitae), Labcorp
Classification: Likely benign for Senior-Loken syndrome 8; Asphyxiating thoracic dystrophy 5. Last evaluated: 2026-01-24. Review status: criteria provided, single submitter. Criteria: Invitae Variant Classification Sherloc (09022015). Collection method: clinical testing. Allele origin: germline.

Blueprint Genetics
Classification: Likely benign. Last evaluated: 2024-07-17. Review status: criteria provided, single submitter. Criteria: ACMG Guidelines, 2015. Collection method: clinical testing. Allele origin: germline.

Fulgent Genetics
Classification: Likely benign for Asphyxiating thoracic dystrophy 5; Nephronophthisis 13; Cranioectodermal dysplasia 4; Senior-Loken syndrome 8; Spermatogenic failure 72. Last evaluated: 2021-09-30. Review status: criteria provided, single submitter. Criteria: ACMG Guidelines, 2015. Collection method: clinical testing. Allele origin: unknown.

Breakthrough Genomics
Classification: Likely benign. Review status: criteria provided, single submitter. Criteria: ACMG Guidelines, 2015. Collection method: not provided. Allele origin: germline. Inheritance: Autosomal recessive inheritance. Affected: yes.

PreventionGenetics, part of Exact Sciences
Classification: Likely benign for WDR19-related condition. Last evaluated: 2022-09-03. Review status: no assertion criteria provided. Collection method: clinical testing. Allele origin: germline. Not counted in ClinVar's aggregate classification.
Comment: This variant is classified as likely benign based on ACMG/AMP sequence variant interpretation guidelines (Richards et al. 2015 PMID: 25741868, with internal and published modifications).